The following is an entry in ClinVar:

NM_000361.3(THBD):c.1704C>G (p.Thr568=)

Gene: THBD (thrombomodulin; minus strand). Cytogenetic location: 20p11.21.
Variant type: single nucleotide variant.
Coding change: c.1704C>G on transcript NM_000361.3 (MANE Select); coding-DNA position 1704, C replaced by G.
Protein change: p.Thr568=; no amino-acid change (threonine 568 retained).
Molecular consequence: synonymous variant.
Genome position (GRCh38, 1-based): chr20:23,047,801, G>C on the plus strand (C>G on the coding strand, the complement: THBD is on the minus strand). VCF-style: chr20-23047801-G-C. GRCh37 (hg19) VCF-style: chr20-23028438-G-C.
Other names: p.Thr568=.
Identifiers: ClinVar variation 3607423 (VCV003607423.3).

ClinVar aggregate classification (germline): Conflicting classifications of pathogenicity. Review status: criteria provided, conflicting classifications (1 of 4 stars). 2 submissions from 2 submitters: Uncertain significance (1); Likely benign (1). Last evaluated 2025-06-04.

Submissions (2):

Labcorp Genetics (formerly Invitae), Labcorp
Classification: Uncertain significance. Last evaluated: 2025-06-04. Review status: criteria provided, single submitter. Criteria: Invitae Variant Classification Sherloc (09022015). Collection method: clinical testing. Allele origin: germline.
Comment: This sequence change affects codon 568 of the THBD mRNA. It is a 'silent' change, meaning that it does not change the encoded amino acid sequence of the THBD protein. This variant is present in population databases (rs751317027, gnomAD 0.004%). This variant has not been reported in the literature in individuals affected with THBD-related conditions. ClinVar contains an entry for this variant (Variation ID: 3607423). In summary, the available evidence is currently insufficient to determine the role of this variant in disease. Therefore, it has been classified as a Variant of Uncertain Significance.

Mayo Clinic Laboratories, Mayo Clinic
Classification: Likely benign. Last evaluated: 2025-01-30. Review status: criteria provided, single submitter. Criteria: ACMG Guidelines, 2015. Collection method: clinical testing. Allele origin: germline. Observed: 1 variant allele.
Comment: BP4, BP7